The following is an entry in ClinVar:

NM_000130.5(F5):c.6246C>T (p.Ile2082=)

Gene: F5 (coagulation factor V; minus strand). Cytogenetic location: 1q24.2.
Variant type: single nucleotide variant.
Coding change: c.6246C>T on transcript NM_000130.5 (MANE Select); coding-DNA position 6246, C replaced by T.
Protein change: p.Ile2082=; no amino-acid change (isoleucine 2082 retained).
Molecular consequence: synonymous variant.
Genome position (GRCh38, 1-based): chr1:169,518,511, G>A on the plus strand (C>T on the coding strand, the complement: F5 is on the minus strand). VCF-style: chr1-169518511-G-A. GRCh37 (hg19) VCF-style: chr1-169487749-G-A.
Identifiers: ClinVar variation 3035522 (VCV003035522.2), dbSNP rs1460128252, ClinGen allele CA421730850.
Genomic context (GRCh38, chr1:169,518,511, plus strand): 5'-ACGGGCACGGAAGGGTTCCCAGTAATCTCCCCACCAAGATTTCTTAAACGAAGAAGCTGT[G>A]ATTTGCTTGTTTTCTATCTTTCCATTTTCCATACCCAGGGGTGTGGAACATCCTATCAAA-3'
Protein context (NP_000121.2, residues 2072-2092): MENGKIENKQ[Ile2082=]TASSFKKSWW

ClinVar aggregate classification (germline): Likely benign (0 of 4 stars; one submission).

Conditions:
F5-related disorder. Also called: F5-related condition.

Allele frequency attached by ClinVar (database versions not stated): gnomAD exomes below 0.00001; TOPMed below 0.00001.
gnomAD v4.1: 3 of 1,613,918 alleles (0.00019%); highest among the groups gnomAD compares: East Asian, 0.0022%; no homozygotes.

Submission:

PreventionGenetics, part of Exact Sciences
Classification: Likely benign for F5-related condition. Last evaluated: 2019-07-25. Review status: no assertion criteria provided. Collection method: clinical testing. Allele origin: germline.
Comment: This variant is classified as likely benign based on ACMG/AMP sequence variant interpretation guidelines (Richards et al. 2015 PMID: 25741868, with internal and published modifications).